The following is an entry in ClinVar:

NM_001042492.3(NF1):c.2209A>G (p.Thr737Ala)

Gene: NF1 (neurofibromin 1; plus strand). Cytogenetic location: 17q11.2.
Variant type: single nucleotide variant.
Coding change: c.2209A>G on transcript NM_001042492.3 (MANE Select); coding-DNA position 2209, A replaced by G.
Protein change: p.Thr737Ala; replaces threonine 737 with alanine.
Molecular consequence: missense variant.
Genome position (GRCh38, 1-based): chr17:31,226,642, A>G. VCF-style: chr17-31226642-A-G. GRCh37 (hg19) VCF-style: chr17-29553660-A-G.
Other names: c.2209A>G, p.Thr737Ala (NM_000267.4); short protein forms T737A.
Identifiers: ClinVar variation 3237670 (VCV003237670.1), dbSNP rs745653347.
Genomic context (GRCh38, chr17:31,226,642, plus strand): 5'-GCAGATATCCGGTGTGGGGTGGATGAAGTGTCAGTGCATAACCTCTTGCCCAACTATAAC[A>G]CATTCATGGAGTTTGCCTCTGTCAGCAATATGATGTCAACAGGTAAATGTGAATAGTGGT-3'
Protein context (NP_001035957.1, residues 727-747): SVHNLLPNYN[Thr737Ala]FMEFASVSNM

ClinVar aggregate classification (germline): Uncertain significance (1 of 4 stars; one submission).

Conditions:
Hereditary cancer-predisposing syndrome. Also called: Neoplastic Syndromes, Hereditary; Tumor predisposition; Hereditary neoplastic syndrome; Hereditary Cancer Syndrome. Identifiers: Orphanet 140162, MedGen C0027672, MeSH D009386, MONDO:0015356.
Cardiovascular phenotype. Identifiers: MedGen CN230736.

Submission:

Ambry Genetics
Classification: Uncertain significance for Cardiovascular phenotype; Hereditary cancer-predisposing syndrome. Last evaluated: 2023-11-18. Review status: criteria provided, single submitter. Criteria: Ambry Variant Classification Scheme 2023. Collection method: clinical testing. Allele origin: germline.
Comment: The p.T737A variant (also known as c.2209A>G), located in coding exon 18 of the NF1 gene, results from an A to G substitution at nucleotide position 2209. The threonine at codon 737 is replaced by alanine, an amino acid with similar properties. This amino acid position is highly conserved in available vertebrate species. In addition, the in silico prediction for this alteration is inconclusive. Since supporting evidence is limited at this time, the clinical significance of this alteration remains unclear.